The following is an entry in ClinVar:

NM_005186.4(CAPN1):c.1016G>T (p.Arg339Leu)

Gene: CAPN1 (calpain 1; plus strand). Cytogenetic location: 11q13.1.
Variant type: single nucleotide variant.
Coding change: c.1016G>T on transcript NM_005186.4 (MANE Select); coding-DNA position 1016, G replaced by T.
Protein change: p.Arg339Leu; replaces arginine 339 with leucine.
Molecular consequence: missense variant. On other transcripts: non-coding transcript variant (1).
Genome position (GRCh38, 1-based): chr11:65,188,597, G>T. VCF-style: chr11-65188597-G-T. GRCh37 (hg19) VCF-style: chr11-64956068-G-T.
Other names: c.1016G>T, p.Arg339Leu (NM_001198868.2, NM_001198869.2); c.854G>T, p.Arg285Leu (NM_001198870.1); short protein forms R285L, R339L.
Identifiers: ClinVar variation 2004836 (VCV002004836.4), dbSNP rs768652265, ClinGen allele CA381248264.

ClinVar aggregate classification (germline): Uncertain significance (1 of 4 stars; one submission).

Submission:

Labcorp Genetics (formerly Invitae), Labcorp
Classification: Uncertain significance. Last evaluated: 2022-09-07. Review status: criteria provided, single submitter. Criteria: Invitae Variant Classification Sherloc (09022015). Collection method: clinical testing. Allele origin: germline.
Comment: This sequence change replaces arginine, which is basic and polar, with leucine, which is neutral and non-polar, at codon 339 of the CAPN1 protein (p.Arg339Leu). This variant is not present in population databases (gnomAD no frequency). This variant has not been reported in the literature in individuals affected with CAPN1-related conditions. Algorithms developed to predict the effect of missense changes on protein structure and function (SIFT, PolyPhen-2, Align-GVGD) all suggest that this variant is likely to be tolerated. Algorithms developed to predict the effect of sequence changes on RNA splicing suggest that this variant may create or strengthen a splice site. In summary, the available evidence is currently insufficient to determine the role of this variant in disease. Therefore, it has been classified as a Variant of Uncertain Significance.